The following is an entry in ClinVar:

ClinVar aggregate classification (germline): Uncertain significance (1 of 4 stars; one submission).

Conditions:
Familial adenomatous polyposis 1 (FAP1). Also called: FAMILIAL ADENOMATOUS POLYPOSIS 1, ATTENUATED; POLYPOSIS, ADENOMATOUS INTESTINAL. Identifiers: MedGen C2713442, MONDO:0021056, OMIM 175100. Disease mechanism: loss of function.

Submission:

Labcorp Genetics (formerly Invitae), Labcorp
Classification: Uncertain significance for Familial adenomatous polyposis 1. Last evaluated: 2023-12-18. Review status: criteria provided, single submitter. Criteria: Invitae Variant Classification Sherloc (09022015). Collection method: clinical testing. Allele origin: germline.
Comment: This sequence change replaces tryptophan, which is neutral and slightly polar, with cysteine, which is neutral and slightly polar, at codon 423 of the APC protein (p.Trp423Cys). This variant is not present in population databases (gnomAD no frequency). This variant has not been reported in the literature in individuals affected with APC-related conditions. Advanced modeling of protein sequence and biophysical properties (such as structural, functional, and spatial information, amino acid conservation, physicochemical variation, residue mobility, and thermodynamic stability) has been performed at Invitae for this missense variant, however the output from this modeling did not meet the statistical confidence thresholds required to predict the impact of this variant on APC protein function. In summary, the available evidence is currently insufficient to determine the role of this variant in disease. Therefore, it has been classified as a Variant of Uncertain Significance.

NM_000038.6(APC):c.1269G>T (p.Trp423Cys)

Gene: APC (APC regulator of Wnt signaling pathway; plus strand). Cytogenetic location: 5q22.2.
Variant type: single nucleotide variant.
Coding change: c.1269G>T on transcript NM_000038.6 (MANE Select); coding-DNA position 1269, G replaced by T.
Protein change: p.Trp423Cys; replaces tryptophan 423 with cysteine.
Molecular consequence: missense variant. On other transcripts: non-coding transcript variant (2).
Genome position (GRCh38, 1-based): chr5:112,819,301, G>T. VCF-style: chr5-112819301-G-T. GRCh37 (hg19) VCF-style: chr5-112154998-G-T.
Other names: c.1269G>T, p.Trp423Cys (NM_001127510.3, NM_001354895.2, NM_001354896.2 and 4 more transcripts); c.1215G>T, p.Trp405Cys (NM_001127511.3); c.1299G>T, p.Trp433Cys (NM_001354897.2, NM_001407446.1); c.1194G>T, p.Trp398Cys (NM_001354898.2, NM_001407451.1); c.1185G>T, p.Trp395Cys (NM_001354899.2, NM_001407452.1); c.1092G>T, p.Trp364Cys (NM_001354900.2, NM_001354901.2, NM_001407453.1); c.996G>T, p.Trp332Cys (NM_001354902.2); c.966G>T, p.Trp322Cys (NM_001354903.2, NM_001407454.1, NM_001407455.1 and 5 more transcripts); and 5 more; short protein forms W140C, W294C, W364C, W395C, W405C, W433C, W297C, W322C.
Identifiers: ClinVar variation 2976741 (VCV002976741.3), dbSNP rs2149783521, ClinGen allele CA16024084.